The following is an entry in ClinVar:

NM_006231.4(POLE):c.3912dup (p.Gly1305fs)

Gene: POLE (DNA polymerase epsilon, catalytic subunit; minus strand). Cytogenetic location: 12q24.33.
Variant type: Duplication.
Coding change: c.3912dup on transcript NM_006231.4 (MANE Select); coding-DNA position 3912, one base duplicated (C; older notation c.3912dupC).
Protein change: p.Gly1305fs; shifts the reading frame from glycine 1305.
Molecular consequence: frameshift variant.
Genome position (GRCh38, 1-based): chr12:132,649,399, G duplicated on the plus strand (C on the coding strand, the reverse complement: POLE is on the minus strand); the first of 3 consecutive G bases (chr12:132,649,399-132,649,401); duplicating any one gives the same sequence. VCF-style (leftmost placement, unchanged base first): chr12-132649398-C-CG. GRCh37 (hg19) VCF-style: chr12-133225984-C-CG.
Other names: short protein forms G1305fs.
Identifiers: ClinVar variation 1420268 (VCV001420268.8), dbSNP rs2138607404, ClinGen allele CA2573148125.

ClinVar aggregate classification (germline): Pathogenic (1 of 4 stars; one submission).

Submission:

Labcorp Genetics (formerly Invitae), Labcorp
Classification: Pathogenic. Last evaluated: 2022-05-12. Review status: criteria provided, single submitter. Criteria: Invitae Variant Classification Sherloc (09022015). Collection method: clinical testing. Allele origin: germline.
Comment: For these reasons, this variant has been classified as Pathogenic. This variant has not been reported in the literature in individuals affected with POLE-related conditions. This variant is not present in population databases (gnomAD no frequency). This sequence change creates a premature translational stop signal (p.Gly1305Argfs*50) in the POLE gene. It is expected to result in an absent or disrupted protein product. Loss-of-function variants in POLE are known to be pathogenic (PMID: 23230001, 25948378, 30503519).

Literature cited by the submitters: PubMed 23230001; PubMed 25948378; PubMed 30503519.